The following is an entry in ClinVar:

GRCh38/hg38 17q21.33-24.2(chr17:36449220-68170214)x3

Genes: AARSD1 (alanyl-tRNA synthetase domain containing 1; minus strand), AATF (apoptosis antagonizing transcription factor; plus strand), ABCC3 (ATP binding cassette subfamily C member 3; plus strand), ABI3 (ABI family member 3; plus strand), ACACA (acetyl-CoA carboxylase alpha; minus strand) and 1754 more. Cytogenetic location: 17q21.33-24.2.
Variant type: copy number gain.
Change: copy number 3 (three copies instead of two) of chr17:36,449,220-68,170,214 (31.72 Mb, GRCh38 coordinates, 1-based), cytogenetic band 17q21.33-24.2.
Identifiers: ClinVar variation 57282 (VCV000057282.1).

ClinVar aggregate classification (germline): Pathogenic (1 of 4 stars; one submission).

Submission:

ISCA site 4
Classification: Pathogenic. Last evaluated: 2011-08-12. Review status: criteria provided, single submitter. Criteria: Kaminsky et al. (Genet Med. 2011). Collection method: clinical testing. Allele origin: unknown. Affected: yes. Observed: 1 variant allele.
Comment: Copy number variation identified through the course of routine clinical cytogenomic testing in postnatal populations. Clinical assertions have been curated as described in Kaminsky et al. 2011.